The following is an entry in ClinVar:

NM_004596.5(SNRPA):c.98T>C (p.Ile33Thr)

Gene: SNRPA (small nuclear ribonucleoprotein polypeptide A; plus strand). Cytogenetic location: 19q13.2.
Variant type: single nucleotide variant.
Coding change: c.98T>C on transcript NM_004596.5 (MANE Select); coding-DNA position 98, T replaced by C.
Protein change: p.Ile33Thr; replaces isoleucine 33 with threonine.
Molecular consequence: missense variant.
Genome position (GRCh38, 1-based): chr19:40,757,356, T>C. VCF-style: chr19-40757356-T-C. GRCh37 (hg19) VCF-style: chr19-41263261-T-C.
Other names: U1A; short protein forms I33T.
Identifiers: ClinVar variation 446220 (VCV000446220.3), dbSNP rs1555775208, ClinGen allele CA405950371.
Genomic context (GRCh38, chr19:40,757,356, plus strand): 5'-AGGGGAGCTCAAAGGTCTTTTTTTCCCCCACTGCAGAGCTAAAAAAGTCCCTGTACGCCA[T>C]CTTCTCCCAGTTTGGCCAGATCCTGGATATCCTGGTATCACGGAGCCTGAAGATGAGGGG-3'
Protein context (NP_004587.1, residues 23-43): KDELKKSLYA[Ile33Thr]FSQFGQILDI

ClinVar aggregate classification (germline): Likely pathogenic (1 of 4 stars; one submission).

Conditions:
Spliceosomepathy.

Submission:

Laboratorio de Citogenómica y Microarreglos, Universidad Autonoma de Nuevo Leon
Classification: Likely pathogenic for Spliceosomepathy. Last evaluated: 2017-11-01. Review status: criteria provided, single submitter. Criteria: ACMG Guidelines, 2015. Collection method: research. Allele origin: inherited. Inheritance: Autosomal recessive inheritance. Affected: yes. Observed: 4 variant alleles, 2 heterozygotes, 2 homozygotes. Clinical features observed: Intellectual disability, Psychomotor delay, Short stature, Craniofacial, eye, and hand anomalies.
Comment: Splicing-related gene mutations might affect in different ways the expression of a single gene or multiple genes. Exome sequencing analyses by Variant Interpreter identified, in independent assays of the patients (two assays in one of them), three homozygous missense variants in exon 2 of SNRPA (hg19; chr19:41,263,260, chr19:41,263,261, and chr19:41,263,263; NM_004596.4). These variants were described as c.97A>G, c.98T>C, and c.100T>A and cause a change in two contiguous amino acids: p.Ile33Ala and p.Phe34Ile. The in-silico analyses (CFSSP, ExPASy web tool) showed a gained rich-Î±-helix region. Six different bioinformatic platforms predicted a pathogenic consequence for p.Ile33Ala and p.Phe34Ile; however, a more pathogenic score (-8.53, PROVEAN web tool) was predicted when both mutations were analyzed combined. SNRPA encodes for a protein that associates with the stem loop II of the U1 RNA. SNRPA/U1-A along with SNRNP70/U1-70K, SNRPC/U1-C and a core of proteins known as Sm, conform the U1 small nuclear ribonucleoprotein complex. The PD/ID and growth, eye, craniofacial and hand anomalies in our patients, are features also seen in other spliceosomepathies.